The following is an entry in ClinVar:

ClinVar aggregate classification (germline): Uncertain significance (1 of 4 stars; one submission).

Submission:

Labcorp Genetics (formerly Invitae), Labcorp
Classification: Uncertain significance. Last evaluated: 2025-07-06. Review status: criteria provided, single submitter. Criteria: Invitae Variant Classification Sherloc (09022015). Collection method: clinical testing. Allele origin: germline.
Comment: This variant, c.3744_3746del, results in the deletion of 1 amino acid(s) of the STAG1 protein (p.Glu1248del), but otherwise preserves the integrity of the reading frame. This variant is present in population databases (no rsID available, gnomAD 0.002%). This variant has not been reported in the literature in individuals affected with STAG1-related conditions. Algorithms developed to predict the effect of sequence changes on RNA splicing suggest that this variant may disrupt the consensus splice site. In summary, the available evidence is currently insufficient to determine the role of this variant in disease. Therefore, it has been classified as a Variant of Uncertain Significance.

NM_005862.3(STAG1):c.3741AGA[1] (p.Glu1248del)

Gene: STAG1 (STAG1 cohesin complex component; minus strand). Cytogenetic location: 3q22.3.
Variant type: Microsatellite.
Coding change: c.3741AGA[1] on transcript NM_005862.3 (MANE Select); one copy of the 3-base unit AGA starting at c.3741; the reference has two copies in a row; one copy, 3 bases deleted.
Protein change: p.Glu1248del; deletes glutamic acid 1248.
Molecular consequence: inframe deletion.
Genome position (GRCh38, 1-based): chr3:136,338,377-136,338,379, TCT deleted on the plus strand (AGA on the coding strand, the reverse complement: STAG1 is on the minus strand); deleting any 3 consecutive bases within chr3:136,338,377-136,338,382 gives the same sequence; the position shown is the placement nearest the transcript's 3' end. VCF-style (leftmost placement, unchanged base first): chr3-136338376-ATCT-A. GRCh37 (hg19) VCF-style: chr3-136057218-ATCT-A.
Other names: short protein forms E1248del.
Identifiers: ClinVar variation 4702419 (VCV004702419.1).